The following is an entry in ClinVar:

NM_176787.5(PIGN):c.910G>A (p.Ala304Thr)

Gene: PIGN (phosphatidylinositol glycan anchor biosynthesis class N; minus strand). Cytogenetic location: 18q21.33.
Variant type: single nucleotide variant.
Coding change: c.910G>A on transcript NM_176787.5 (MANE Select); coding-DNA position 910, G replaced by A.
Protein change: p.Ala304Thr; replaces alanine 304 with threonine.
Molecular consequence: missense variant.
Genome position (GRCh38, 1-based): chr18:62,145,921, C>T on the plus strand (G>A on the coding strand, the complement: PIGN is on the minus strand). VCF-style: chr18-62145921-C-T. GRCh37 (hg19) VCF-style: chr18-59813154-C-T.
Other names: c.910G>A, p.Ala304Thr (NM_012327.6); short protein forms A304T.
Identifiers: ClinVar variation 2172752 (VCV002172752.2), dbSNP rs867441748, ClinGen allele CA301684095.
Genomic context (GRCh38, chr18:62,145,921, plus strand): 5'-CTTATTTTAAGAGGTTGTATTTATAAACCAGTAAAGAAATGCTTGTACCTTTCAAAAATG[C>T]ATCATCAAATTGCTGAGCTGATACTCTTTGGGGATACTTGATTCCAGCTCCCCAAGTGAC-3'
Protein context (NP_789744.1, residues 294-314): QRVSAQQFDD[Ala304Thr]FLKEWRLENW

ClinVar aggregate classification (germline): Uncertain significance (1 of 4 stars; one submission).

Conditions:
Multiple congenital anomalies-hypotonia-seizures syndrome 1 (MCAHS1). Also called: PIGN-CDG; Congenital disorder of glycosylation due to PIGN deficiency; GLYCOSYLPHOSPHATIDYLINOSITOL BIOSYNTHESIS DEFECT 3. Identifiers: Orphanet 280633, MedGen C3279775, MONDO:0013563, OMIM 614080.

Allele frequency attached by ClinVar (database versions not stated): gnomAD exomes below 0.00001.
gnomAD v4.1: 3 of 1,543,980 alleles (0.00019%); highest among the groups gnomAD compares: Middle Eastern, 0.051%; no homozygotes.

Submission:

Labcorp Genetics (formerly Invitae), Labcorp
Classification: Uncertain significance for Multiple congenital anomalies-hypotonia-seizures syndrome 1. Last evaluated: 2022-10-17. Review status: criteria provided, single submitter. Criteria: Invitae Variant Classification Sherloc (09022015). Collection method: clinical testing. Allele origin: germline.
Comment: In summary, the available evidence is currently insufficient to determine the role of this variant in disease. Therefore, it has been classified as a Variant of Uncertain Significance. Advanced modeling of protein sequence and biophysical properties (such as structural, functional, and spatial information, amino acid conservation, physicochemical variation, residue mobility, and thermodynamic stability) performed at Invitae indicates that this missense variant is not expected to disrupt PIGN protein function. This variant has not been reported in the literature in individuals affected with PIGN-related conditions. This variant is not present in population databases (gnomAD no frequency). This sequence change replaces alanine, which is neutral and non-polar, with threonine, which is neutral and polar, at codon 304 of the PIGN protein (p.Ala304Thr).